The following is an entry in ClinVar:

NM_005431.2(XRCC2):c.191G>A (p.Arg64Gln)

Gene: XRCC2 (X-ray repair cross complementing 2; minus strand). Cytogenetic location: 7q36.1.
Variant type: single nucleotide variant.
Coding change: c.191G>A on transcript NM_005431.2 (MANE Select); coding-DNA position 191, G replaced by A.
Protein change: p.Arg64Gln; replaces arginine 64 with glutamine.
Molecular consequence: missense variant.
Genome position (GRCh38, 1-based): chr7:152,649,294, C>T on the plus strand (G>A on the coding strand, the complement: XRCC2 is on the minus strand). VCF-style: chr7-152649294-C-T. GRCh37 (hg19) VCF-style: chr7-152346379-C-T.
Other names: short protein forms R64Q.
Identifiers: ClinVar variation 968118 (VCV000968118.11), dbSNP rs781506113, ClinGen allele CA4582375.

ClinVar aggregate classification (germline): Uncertain significance. Review status: criteria provided, multiple submitters, no conflicts (2 of 4 stars). 3 submissions from 3 submitters: Uncertain significance (3). Last evaluated 2024-03-01.

Conditions:
Hereditary cancer-predisposing syndrome. Also called: Neoplastic Syndromes, Hereditary; Tumor predisposition; Hereditary neoplastic syndrome; Hereditary Cancer Syndrome. Identifiers: Orphanet 140162, MedGen C0027672, MeSH D009386, MONDO:0015356.

Allele frequency attached by ClinVar (database versions not stated): ExAC 0.00002; gnomAD 0.00002; gnomAD exomes 0.00002; TOPMed 0.00003.
gnomAD v4.1: 15 of 1,613,202 alleles (0.00093%); highest among the groups gnomAD compares: South Asian, 0.0033%; no homozygotes.

Submissions (3):

Labcorp Genetics (formerly Invitae), Labcorp
Classification: Uncertain significance. Last evaluated: 2024-03-01. Review status: criteria provided, single submitter. Criteria: Invitae Variant Classification Sherloc (09022015). Collection method: clinical testing. Allele origin: germline.
Comment: This sequence change replaces arginine, which is basic and polar, with glutamine, which is neutral and polar, at codon 64 of the XRCC2 protein (p.Arg64Gln). This variant is present in population databases (rs781506113, gnomAD 0.03%). This variant has not been reported in the literature in individuals affected with XRCC2-related conditions. ClinVar contains an entry for this variant (Variation ID: 968118). Advanced modeling of protein sequence and biophysical properties (such as structural, functional, and spatial information, amino acid conservation, physicochemical variation, residue mobility, and thermodynamic stability) performed at Invitae indicates that this missense variant is not expected to disrupt XRCC2 protein function with a negative predictive value of 80%. In summary, the available evidence is currently insufficient to determine the role of this variant in disease. Therefore, it has been classified as a Variant of Uncertain Significance.

Ambry Genetics
Classification: Uncertain significance for Hereditary cancer-predisposing syndrome. Last evaluated: 2023-06-23. Review status: criteria provided, single submitter. Criteria: Ambry Variant Classification Scheme 2023. Collection method: clinical testing. Allele origin: germline.
Comment: The p.R64Q variant (also known as c.191G>A), located in coding exon 3 of the XRCC2 gene, results from a G to A substitution at nucleotide position 191. The arginine at codon 64 is replaced by glutamine, an amino acid with highly similar properties. This amino acid position is highly conserved in available vertebrate species. In addition, the in silico prediction for this alteration is inconclusive. Since supporting evidence is limited at this time, the clinical significance of this alteration remains unclear.

Blueprint Genetics
Classification: Uncertain significance. Last evaluated: 2022-04-07. Review status: criteria provided, single submitter. Criteria: ACMG Guidelines, 2015. Collection method: clinical testing. Allele origin: germline.